The following is an entry in ClinVar:

NM_001330078.2(NRXN1):c.1194G>A (p.Thr398=)

Gene: NRXN1 (neurexin 1; minus strand). Cytogenetic location: 2p16.3.
Variant type: single nucleotide variant.
Coding change: c.1194G>A on transcript NM_001330078.2 (MANE Select); coding-DNA position 1194, G replaced by A.
Protein change: p.Thr398=; no amino-acid change (threonine 398 retained).
Molecular consequence: synonymous variant.
Genome position (GRCh38, 1-based): chr2:50,620,148, C>T on the plus strand (G>A on the coding strand, the complement: NRXN1 is on the minus strand). VCF-style: chr2-50620148-C-T. GRCh37 (hg19) VCF-style: chr2-50847286-C-T.
Other names: c.1314G>A, p.Thr438= (NM_001135659.3); c.1170G>A, p.Thr390= (NM_001330077.2, NM_001330082.2, NM_001330095.2); c.1155G>A, p.Thr385= (NM_001330083.2, NM_001330084.2); c.1194G>A, p.Thr398= (NM_001330085.2, NM_001330086.2, NM_004801.6); c.1110G>A, p.Thr370= (NM_001330087.2, NM_001330096.2); c.1140G>A, p.Thr380= (NM_001330088.2); c.1191G>A, p.Thr397= (NM_001330093.2); c.1182G>A, p.Thr394= (NM_001330094.2).
Identifiers: ClinVar variation 392595 (VCV000392595.9), dbSNP rs202166616, ClinGen allele CA1655085.
Genomic context (GRCh38, chr2:50,620,148, plus strand): 5'-GCCTCCAACATAGAAAAAGTCATCAGACCCCAGCATGGTATAATCTTCTTGCGTGTAGCC[C>T]GTTGTGGTAAGAATCCCATCCACTGATATTGTCACCTAGATAACAAAGCACAGGGAAAGG-3'
Protein context (NP_001317007.1, residues 388-408): TISVDGILTT[Thr398=]GYTQEDYTML

ClinVar aggregate classification (germline): Likely benign. Review status: criteria provided, multiple submitters, no conflicts (2 of 4 stars). 2 submissions from 2 submitters: Likely benign (2). Last evaluated 2024-08-08.

Conditions:
Pitt-Hopkins-like syndrome 2 (PTHSL2). Identifiers: Orphanet 221150, Orphanet 600663, MedGen C3280479, MONDO:0013690, OMIM 614325.

Allele frequency attached by ClinVar (database versions not stated): TOPMed 0.00002; gnomAD 0.00003.
gnomAD v4.1: 25 of 1,613,244 alleles (0.0015%); highest among the groups gnomAD compares: South Asian, 0.0022%; no homozygotes.

Submissions (2):

Labcorp Genetics (formerly Invitae), Labcorp
Classification: Likely benign for Pitt-Hopkins-like syndrome 2. Last evaluated: 2024-08-08. Review status: criteria provided, single submitter. Criteria: Invitae Variant Classification Sherloc (09022015). Collection method: clinical testing. Allele origin: germline.

GeneDx
Classification: Likely benign. Last evaluated: 2017-01-12. Review status: criteria provided, single submitter. Criteria: GeneDx Variant Classification (06012015). Collection method: clinical testing. Allele origin: germline. Affected: yes.
Comment: This variant is considered likely benign or benign based on one or more of the following criteria: it is a conservative change, it occurs at a poorly conserved position in the protein, it is predicted to be benign by multiple in silico algorithms, and/or has population frequency not consistent with disease.